The following is an entry in ClinVar:

NM_003282.4(TNNI2):c.525G>T (p.Lys175Asn)

Gene: TNNI2 (troponin I2, fast skeletal type; plus strand). Cytogenetic location: 11p15.5.
Variant type: single nucleotide variant.
Coding change: c.525G>T on transcript NM_003282.4 (MANE Select); coding-DNA position 525, G replaced by T.
Protein change: p.Lys175Asn; replaces lysine 175 with asparagine.
Molecular consequence: missense variant.
Genome position (GRCh38, 1-based): chr11:1,841,527, G>T. VCF-style: chr11-1841527-G-T. GRCh37 (hg19) VCF-style: chr11-1862757-G-T.
Other names: c.525G>T, p.Lys175Asn (NM_001145829.2, NM_001145841.2); short protein forms K175N.
Identifiers: ClinVar variation 212411 (VCV000212411.8), dbSNP rs797046046, ClinGen allele CA206706.

ClinVar aggregate classification (germline): Pathogenic/Likely pathogenic. Review status: criteria provided, multiple submitters, no conflicts (2 of 4 stars). 3 submissions from 3 submitters: Pathogenic (2); Likely pathogenic (1). Last evaluated 2023-09-08.

Conditions:
Distal arthrogryposis type 2B1 (DA2B1). Also called: Arthrogryposis multiplex congenita distal type II with craniofacial abnormalities. Identifiers: Orphanet 1147, MedGen C5193014, MONDO:0020820, OMIM 601680.

Submissions (3):

3billion
Classification: Pathogenic for Distal arthrogryposis type 2B1. Last evaluated: 2023-09-08. Review status: criteria provided, single submitter. Criteria: ACMG Guidelines, 2015. Collection method: clinical testing. Allele origin: germline. Affected: yes.
Comment: The variant is not observed in the gnomAD v2.1.1 dataset. Predicted Consequence/Location: Missense variant Functional studies provide strong evidence of the variant having a damaging effect on the gene or gene product (PMID: 25340332). In silico tool predictions suggest damaging effect of the variant on gene or gene product [REVEL: 0.77 (>=0.6, sensitivity 0.68 and specificity 0.92); 3Cnet: 0.93 (>=0.6, sensitivity 0.72 and precision 0.9)]. Same nucleotide change resulting in same amino acid change has been previously reported as pathogenic/likely pathogenic with strong evidence (ClinVar ID: VCV000212411 /PMID: 23401156). Therefore, this variant is classified as Pathogenic according to the recommendation of ACMG/AMP guideline.

Victorian Clinical Genetics Services, Murdoch Childrens Research Institute
Classification: Pathogenic for Distal arthrogryposis type 2B1. Last evaluated: 2021-05-06. Review status: criteria provided, single submitter. Criteria: ACMG Guidelines, 2015. Collection method: clinical testing. Allele origin: germline. Inheritance: Autosomal dominant inheritance. Affected: yes.
Comment: Based on the classification scheme VCGS_Germline_v1.3.4, this variant is classified as Pathogenic. Following criteria are met: 0101 - Gain of function is a known mechanism of disease in this gene and is associated with distal arthrogryposis type 2B1 (DA2B; MIM#601680) (PMIDs: 17194691, 25340332). (I) 0107 - This gene is associated with autosomal dominant disease. (I) 0115 - Variants in this gene are known to have variable expressivity (PMID: 27790376). (I) 0200 - Variant is predicted to result in a missense amino acid change from lysine to asparagine. (I) 0251 - This variant is heterozygous. (I) 0301 - Variant is absent from gnomAD (both v2 and v3). (SP) 0501 - Missense variant consistently predicted to be damaging by multiple in silico tools or highly conserved with a major amino acid change. (SP) 0602 - Variant is located in a hotspot region or cluster of pathogenic variants (DECIPHER). (SP) 0705 - No comparable missense variants have previous evidence for pathogenicity. However, an inframe-deletion of the same residue, p.(Lys175del) also known as p.(Lys176del), has been reported in individuals with DA2B (PMID: 26526134), demonstrating the importance of this amino acid for protein function. (I) 0802 - This variant has moderate previous evidence of pathogenicity in unrelated individuals. It has been reported in 3 unrelated individuals with DA2B (PMID: 23401156, ClinVar, LOVD). (SP) 0905 - No published segregation evidence has been identified for this variant. (I) 1007 - No published functional evidence has been identified for this variant. (I) 1102 - Strong phenotype match for this individual. (SP) Legend: (SP) - Supporting pathogenic, (I) - Information, (SB) - Supporting benign

Genetic Services Laboratory, University of Chicago
Classification: Likely pathogenic for Arthrogryposis multiplex congenita, distal, type 2B. Last evaluated: 2014-09-22. Review status: criteria provided, single submitter. Criteria: ACMG Guidelines, 2015. Collection method: clinical testing. Allele origin: germline. Affected: yes.

Literature cited by the submitters: PubMed 23401156 (cited by 3billion and Victorian Clinical Genetics Services, Murdoch Childrens Research Institute); PubMed 25340332 (cited by 3billion and Victorian Clinical Genetics Services, Murdoch Childrens Research Institute); PubMed 17194691 (cited by Victorian Clinical Genetics Services, Murdoch Childrens Research Institute); PubMed 26526134 (cited by Victorian Clinical Genetics Services, Murdoch Childrens Research Institute); PubMed 27790376 (cited by Victorian Clinical Genetics Services, Murdoch Childrens Research Institute).